The following is an entry in ClinVar:

NM_000898.5(MAOB):c.586A>G (p.Thr196Ala)

Gene: MAOB (monoamine oxidase B; minus strand). Cytogenetic location: Xp11.3.
Variant type: single nucleotide variant.
Coding change: c.586A>G on transcript NM_000898.5 (MANE Select); coding-DNA position 586, A replaced by G.
Protein change: p.Thr196Ala; replaces threonine 196 with alanine.
Molecular consequence: missense variant.
Genome position (GRCh38, 1-based): chrX:43,797,157, T>C on the plus strand (A>G on the coding strand, the complement: MAOB is on the minus strand). VCF-style: chrX-43797157-T-C. GRCh37 (hg19) VCF-style: chrX-43656404-T-C.
Other names: short protein forms T196A.
Identifiers: ClinVar variation 4840973 (VCV004840973.1).
Genomic context (GRCh38, chrX:43,797,157, plus strand): 5'-TTGGGACTGTGGAAGAATGGATGGGTACCTGTCCTCCATTTGTTGTCGAGATGATTCTTG[T>C]TGTGCCTCCACACTGCTTCACATACCACAGGAACCAGAGAGCAGAGACCTCATGGGTCTC-3'
Protein context (NP_000889.3, residues 186-206): LWYVKQCGGT[Thr196Ala]RIISTTNGGQ

ClinVar aggregate classification (germline): Uncertain significance (1 of 4 stars; one submission).

gnomAD v4.1: 12 of 1,206,782 alleles (0.00099%); highest among the groups gnomAD compares: Non-Finnish European, 0.0013%; no homozygotes.

Submission:

Ambry Genetics
Classification: Uncertain significance. Last evaluated: 2026-03-03. Review status: criteria provided, single submitter. Criteria: Ambry Variant Classification Scheme 2023. Collection method: clinical testing. Allele origin: germline.
Comment: The c.586A>G (p.T196A) alteration is located in exon 6 (coding exon 6) of the MAOB gene. This alteration results from a A to G substitution at nucleotide position 586, causing the threonine (T) at amino acid position 196 to be replaced by an alanine (A). Based on data from gnomAD, the G allele has an overall frequency of 0.001% (1/180278) total alleles studied. The highest observed frequency was 0.001% (1/80923) of European (non-Finnish) alleles. Based on insufficient or conflicting evidence, the clinical significance of this alteration remains unclear.